The following is an entry in ClinVar:

ClinVar aggregate classification (germline): Conflicting classifications of pathogenicity. Review status: criteria provided, conflicting classifications (1 of 4 stars). 2 submissions from 2 submitters: Uncertain significance (1); Likely benign (1). Last evaluated 2025-06-15.

Conditions:
Hereditary cancer-predisposing syndrome. Also called: Tumor predisposition; Hereditary neoplastic syndrome; Neoplastic Syndromes, Hereditary; Hereditary Cancer Syndrome. Identifiers: Orphanet 140162, MedGen C0027672, MeSH D009386, MONDO:0015356.
Hereditary breast ovarian cancer syndrome. Also called: BRCA1- and BRCA2-Associated Hereditary Breast and Ovarian Cancer; Hereditary breast and ovarian cancer; Hereditary breast and/or ovarian cancer syndrome; Hereditary breast and ovarian cancer syndrome; Hereditary breast and ovarian cancer syndrome (HBOC); Breast and ovarian cancer. Identifiers: Orphanet 145, MedGen C0677776, MeSH D061325, MONDO:0003582. Disease mechanism: loss of function.

Submissions (2):

Labcorp Genetics (formerly Invitae), Labcorp
Classification: Uncertain significance for Hereditary breast ovarian cancer syndrome. Last evaluated: 2025-06-15. Review status: criteria provided, single submitter. Criteria: Invitae Variant Classification Sherloc (09022015). Collection method: clinical testing. Allele origin: germline.
Comment: This sequence change replaces asparagine, which is neutral and polar, with aspartic acid, which is acidic and polar, at codon 2259 of the BRCA2 protein (p.Asn2259Asp). This variant is not present in population databases (gnomAD no frequency). This variant has not been reported in the literature in individuals affected with BRCA2-related conditions. ClinVar contains an entry for this variant (Variation ID: 1500091). Invitae Evidence Modeling of protein sequence and biophysical properties (such as structural, functional, and spatial information, amino acid conservation, physicochemical variation, residue mobility, and thermodynamic stability) indicates that this missense variant is not expected to disrupt BRCA2 protein function with a negative predictive value of 95%. In summary, the available evidence is currently insufficient to determine the role of this variant in disease. Therefore, it has been classified as a Variant of Uncertain Significance.

University of Washington Department of Laboratory Medicine, University of Washington
Classification: Likely benign for Hereditary cancer-predisposing syndrome. Last evaluated: 2023-03-23. Review status: criteria provided, single submitter. Criteria: Dines et al. (Genet Med. 2020). Collection method: curation. Allele origin: germline.
Comment: Missense variant in a coldspot region where missense variants are very unlikely to be pathogenic (PMID:31911673).

BRCA2 exon 11 coldspot. Reclassification based on statistical prior probability.

NM_000059.4(BRCA2):c.6775A>G (p.Asn2259Asp)

Gene: BRCA2 (BRCA2 DNA repair associated; plus strand). Cytogenetic location: 13q13.1.
Variant type: single nucleotide variant.
Coding change: c.6775A>G on transcript NM_000059.4 (MANE Select); coding-DNA position 6775, A replaced by G.
Protein change: p.Asn2259Asp; replaces asparagine 2259 with aspartic acid.
Molecular consequence: missense variant.
Genome position (GRCh38, 1-based): chr13:32,341,130, A>G. VCF-style: chr13-32341130-A-G. GRCh37 (hg19) VCF-style: chr13-32915267-A-G.
Other names: short protein forms N2259D.
Identifiers: ClinVar variation 1500091 (VCV001500091.9), dbSNP rs2137530592, ClinGen allele CA387791238.